The following is an entry in ClinVar:

ClinVar aggregate classification (germline): Uncertain significance. Review status: criteria provided, multiple submitters, no conflicts (2 of 4 stars). 2 submissions from 2 submitters: Uncertain significance (2). Last evaluated 2025-06-24.

Conditions:
Hereditary cancer-predisposing syndrome. Also called: Neoplastic Syndromes, Hereditary; Tumor predisposition; Hereditary neoplastic syndrome; Hereditary Cancer Syndrome. Identifiers: Orphanet 140162, MedGen C0027672, MeSH D009386, MONDO:0015356.

Submissions (2):

Ambry Genetics
Classification: Uncertain significance for Hereditary cancer-predisposing syndrome. Last evaluated: 2025-06-24. Review status: criteria provided, single submitter. Criteria: Ambry Variant Classification Scheme 2023. Collection method: clinical testing. Allele origin: germline.
Comment: The c.-4C>G variant is located in the 5' untranslated region (5&rsquo; UTR) of the MSH6 gene. This variant results from a C to G substitution 4 bases upstream from the first translated codon. This nucleotide position is not well conserved in available vertebrate species. Based on the available evidence, the clinical significance of this variant remains unclear.

Color Diagnostics, LLC DBA Color Health
Classification: Uncertain significance for Hereditary cancer-predisposing syndrome. Last evaluated: 2022-08-01. Review status: criteria provided, single submitter. Criteria: ACMG Guidelines, 2015. Collection method: clinical testing. Allele origin: germline.
Comment: This variant causes a C to G nucleotide substitution at the -4 position in the 5' untranslated region in the MSH6 gene. To our knowledge, functional studies have not been reported for this variant. This variant has not been reported in individuals affected with hereditary cancer in the literature. This variant has not been identified in the general population by the Genome Aggregation Database (gnomAD). The available evidence is insufficient to determine the role of this variant in disease conclusively. Therefore, this variant is classified as a Variant of Uncertain Significance.

NM_000179.3(MSH6):c.-4C>G

Gene: MSH6 (mutS homolog 6; plus strand). Cytogenetic location: 2p16.3.
Variant type: single nucleotide variant.
Coding change: c.-4C>G on transcript NM_000179.3 (MANE Select); 4 bases upstream of the start codon, C replaced by G.
Molecular consequence: 5 prime UTR variant.
Genome position (GRCh38, 1-based): chr2:47,783,230, C>G. VCF-style: chr2-47783230-C-G. GRCh37 (hg19) VCF-style: chr2-48010369-C-G.
Other names: c.-4C>G (NM_001281492.2); c.-740C>G (NM_001281493.2).
Identifiers: ClinVar variation 628371 (VCV000628371.11), dbSNP rs1114167784, ClinGen allele CA913187943.
Genomic context (GRCh38, chr2:47,783,230, plus strand): 5'-CGGTAGATGCGGTGCTTTTAGGAGCTCCGTCCGACAGAACGGTTGGGCCTTGCCGGCTGT[C>G]GGTATGTCGCGACAGAGCACCCTGTACAGCTTCTTCCCCAAGTCTCCGGCGCTGAGTGAT-3'